The following is an entry in ClinVar:

ClinVar aggregate classification (germline): Pathogenic. Review status: criteria provided, multiple submitters, no conflicts (2 of 4 stars). 2 submissions from 2 submitters: Pathogenic (2). Last evaluated 2025-04-15.

Conditions:
Familial cancer of breast. Also called: Hereditary breast cancer; BREAST CANCER, FAMILIAL; hereditary breast carcinoma. Identifiers: Orphanet 227535, MedGen C0346153, MONDO:0016419, OMIM 114480. Disease mechanism: loss of function.

Submissions (2):

Myriad Genetics, Inc.
Classification: Pathogenic for Familial cancer of breast. Last evaluated: 2025-04-15. Review status: criteria provided, single submitter. Criteria: Myriad Autosomal Dominant, Autosomal Recessive and X-Linked Classification Criteria (2023). Collection method: clinical testing. Allele origin: unknown.
Comment: This variant is considered pathogenic. This variant creates a frameshift predicted to result in premature protein truncation.

Labcorp Genetics (formerly Invitae), Labcorp
Classification: Pathogenic for Familial cancer of breast. Last evaluated: 2021-02-12. Review status: criteria provided, single submitter. Criteria: Invitae Variant Classification Sherloc (09022015). Collection method: clinical testing. Allele origin: germline.
Comment: For these reasons, this variant has been classified as Pathogenic. This variant has not been reported in the literature in individuals with CHEK2-related conditions. This variant is not present in population databases (ExAC no frequency). This sequence change creates a premature translational stop signal (p.Ile258Metfs*13) in the CHEK2 gene. It is expected to result in an absent or disrupted protein product. Loss-of-function variants in CHEK2 are known to be pathogenic (PMID: 21876083, 24713400).

Literature cited by the submitters: PubMed 21876083 (cited by Labcorp Genetics (formerly Invitae), Labcorp); PubMed 24713400 (cited by Labcorp Genetics (formerly Invitae), Labcorp).

NM_007194.4(CHEK2):c.774_775del (p.Ile258fs)

Gene: CHEK2 (checkpoint kinase 2; minus strand). Cytogenetic location: 22q12.1.
Variant type: Deletion.
Coding change: c.774_775del on transcript NM_007194.4 (MANE Select); coding-DNA positions 774 to 775, 2 bases deleted (TG; older notation c.774_775delTG).
Protein change: p.Ile258fs; shifts the reading frame from isoleucine 258.
Molecular consequence: frameshift variant.
Genome position (GRCh38, 1-based): chr22:28,711,926-28,711,927, CA deleted on the plus strand (TG on the coding strand, the reverse complement: CHEK2 is on the minus strand). VCF-style (leftmost placement, unchanged base first): chr22-28711925-CCA-C. GRCh37 (hg19) VCF-style: chr22-29107913-CCA-C.
Other names: c.903_904delTG, p.Ile301Metfs (NM_001005735.3); c.111_112delTG, p.Ile37Metfs (NM_001257387.3); c.573_574delTG, p.Ile191Metfs (NM_001349956.3); c.774_775delTG, p.Ile258Metfs (NM_145862.3); short protein forms I258fs, I191fs, I301fs, I37fs.
Identifiers: ClinVar variation 1361852 (VCV001361852.8), dbSNP rs2145949378, ClinGen allele CA2573157979.